The following is an entry in ClinVar:

NM_007170.3(TESK2):c.1363C>T (p.Arg455Cys)

Gene: TESK2 (testis associated actin remodelling kinase 2; minus strand). Cytogenetic location: 1p34.1.
Variant type: single nucleotide variant.
Coding change: c.1363C>T on transcript NM_007170.3 (MANE Select); coding-DNA position 1363, C replaced by T.
Protein change: p.Arg455Cys; replaces arginine 455 with cysteine.
Molecular consequence: missense variant.
Genome position (GRCh38, 1-based): chr1:45,345,193, G>A on the plus strand (C>T on the coding strand, the complement: TESK2 is on the minus strand). VCF-style: chr1-45345193-G-A. GRCh37 (hg19) VCF-style: chr1-45810865-G-A.
Other names: c.1114C>T, p.Arg372Cys (NM_001320800.2); short protein forms R372C, R455C.
Identifiers: ClinVar variation 1264064 (VCV001264064.3), dbSNP rs17853159, ClinGen allele CA826929.

ClinVar aggregate classification (germline): Benign. Review status: criteria provided, multiple submitters, no conflicts (2 of 4 stars). 2 submissions from 2 submitters: Benign (2). Last evaluated 2019-01-11.

Allele frequency attached by ClinVar (database versions not stated): 1000 Genomes Project 0.02276; 1000 Genomes Project 30x 0.02342; TOPMed 0.04593; gnomAD 0.05021 and 0.05130; gnomAD exomes 0.05174 and 0.07040; ExAC 0.05235; ESP Exome Variant Server 0.05407.
gnomAD v4.1: 110,155 of 1,614,134 alleles (6.8%); highest among the groups gnomAD compares: Non-Finnish European, 8%; 4,320 homozygotes.

Submissions (2):

GeneDx
Classification: Benign. Last evaluated: 2019-01-11. Review status: criteria provided, single submitter. Criteria: GeneDx Variant Classification Process June 2021. Collection method: clinical testing. Allele origin: germline. Affected: yes.
Comment: This variant is associated with the following publications: (PMID: 28379579)

Breakthrough Genomics
Classification: Benign. Review status: criteria provided, single submitter. Criteria: ACMG Guidelines, 2015. Collection method: not provided. Allele origin: germline. Inheritance: Unknown mechanism. Affected: yes.